The following is an entry in ClinVar:

ClinVar aggregate classification (germline): Conflicting classifications of pathogenicity. Review status: criteria provided, conflicting classifications (1 of 4 stars). 3 submissions from 3 submitters: Uncertain significance (1); Likely benign (2). Last evaluated 2026-01-27.

Conditions:
SLC12A2-related disorder. Also called: SLC12A2-related condition; SLC12A2-related disorders.

Allele frequency attached by ClinVar (database versions not stated): gnomAD exomes 0.00012; ESP Exome Variant Server 0.00015; gnomAD 0.00024; TOPMed 0.00027; ExAC 0.00046.
gnomAD v4.1: 195 of 1,415,102 alleles (0.014%); highest among the groups gnomAD compares: African/African-American, 0.054%; 1 homozygote.

Submissions (3):

Labcorp Genetics (formerly Invitae), Labcorp
Classification: Likely benign. Last evaluated: 2026-01-27. Review status: criteria provided, single submitter. Criteria: Invitae Variant Classification Sherloc (09022015). Collection method: clinical testing. Allele origin: germline.

GeneDx
Classification: Uncertain significance. Last evaluated: 2024-12-11. Review status: criteria provided, single submitter. Criteria: GeneDx Variant Classification Process June 2021. Collection method: clinical testing. Allele origin: germline. Affected: yes.
Comment: In silico analysis indicates that this missense variant does not alter protein structure/function; Has not been previously published as pathogenic or benign to our knowledge

PreventionGenetics, part of Exact Sciences
Classification: Likely benign for SLC12A2-related condition. Last evaluated: 2024-12-04. Review status: criteria provided, single submitter. Criteria: ACMG Guidelines, 2015. Collection method: clinical testing. Allele origin: germline.
Comment: This variant is classified as likely benign based on ACMG/AMP sequence variant interpretation guidelines (Richards et al. 2015 PMID: 25741868, with internal and published modifications).

NM_001046.3(SLC12A2):c.2483G>A (p.Arg828Gln)

Gene: SLC12A2 (solute carrier family 12 member 2; plus strand). Cytogenetic location: 5q23.3.
Variant type: single nucleotide variant.
Coding change: c.2483G>A on transcript NM_001046.3 (MANE Select); coding-DNA position 2483, G replaced by A.
Protein change: p.Arg828Gln; replaces arginine 828 with glutamine.
Molecular consequence: missense variant. On other transcripts: non-coding transcript variant (1).
Genome position (GRCh38, 1-based): chr5:128,161,667, G>A. VCF-style: chr5-128161667-G-A. GRCh37 (hg19) VCF-style: chr5-127497359-G-A.
Other names: c.2483G>A (NM_001046.2); c.2483G>A, p.Arg828Gln (NM_001256461.2); short protein forms R828Q.
Identifiers: ClinVar variation 2717760 (VCV002717760.5), dbSNP rs372863815, ClinGen allele CA3393381.